The following is an entry in ClinVar:

NM_017838.4(NHP2):c.28G>A (p.Gly10Arg)

Gene: NHP2 (NHP2 ribonucleoprotein; minus strand). Cytogenetic location: 5q35.3.
Variant type: single nucleotide variant.
Coding change: c.28G>A on transcript NM_017838.4 (MANE Select); coding-DNA position 28, G replaced by A.
Protein change: p.Gly10Arg; replaces glycine 10 with arginine.
Molecular consequence: missense variant.
Genome position (GRCh38, 1-based): chr5:178,153,790, C>T on the plus strand (G>A on the coding strand, the complement: NHP2 is on the minus strand). VCF-style: chr5-178153790-C-T. GRCh37 (hg19) VCF-style: chr5-177580791-C-T.
Other names: c.28G>A, p.Gly10Arg (NM_001034833.2, NM_001396110.1); short protein forms G10R.
Identifiers: ClinVar variation 2878693 (VCV002878693.3), dbSNP rs2480692532, ClinGen allele CA362393168.

ClinVar aggregate classification (germline): Uncertain significance (1 of 4 stars; one submission).

Conditions:
Dyskeratosis congenita. Identifiers: Orphanet 1775, MedGen C0265965, MONDO:0015780.

Submission:

Labcorp Genetics (formerly Invitae), Labcorp
Classification: Uncertain significance for Dyskeratosis congenita. Last evaluated: 2023-07-16. Review status: criteria provided, single submitter. Criteria: Invitae Variant Classification Sherloc (09022015). Collection method: clinical testing. Allele origin: germline.
Comment: In summary, the available evidence is currently insufficient to determine the role of this variant in disease. Therefore, it has been classified as a Variant of Uncertain Significance. An algorithm developed to predict the effect of missense changes on protein structure and function (PolyPhen-2) suggests that this variant is likely to be tolerated. This variant has not been reported in the literature in individuals affected with NHP2-related conditions. This variant is not present in population databases (gnomAD no frequency). This sequence change replaces glycine, which is neutral and non-polar, with arginine, which is basic and polar, at codon 10 of the NHP2 protein (p.Gly10Arg).